The following is an entry in ClinVar:

NM_001042492.3(NF1):c.3544_3546del (p.Val1182del)

Gene: NF1 (neurofibromin 1; plus strand). Cytogenetic location: 17q11.2.
Variant type: Deletion.
Coding change: c.3544_3546del on transcript NM_001042492.3 (MANE Select); coding-DNA positions 3544 to 3546, 3 bases deleted (GTT; older notation c.3544_3546delGTT).
Protein change: p.Val1182del; deletes valine 1182.
Molecular consequence: inframe deletion. On other transcripts: inframe indel (1).
Genome position (GRCh38, 1-based): chr17:31,233,049-31,233,051, GTT deleted. VCF-style (leftmost placement, unchanged base first): chr17-31233048-AGTT-A. GRCh37 (hg19) VCF-style: chr17-29560066-AGTT-A.
Other names: c.3544_3546delGTT (NM_000267.3); c.3544_3546delGTT, p.Val1182del (NM_000267.4); short protein forms V1182del.
Identifiers: ClinVar variation 4012961 (VCV004012961.1).

ClinVar aggregate classification (germline): Uncertain significance (1 of 4 stars; one submission).

Conditions:
Cardiovascular phenotype. Identifiers: MedGen CN230736.
Hereditary cancer-predisposing syndrome. Also called: Tumor predisposition; Hereditary neoplastic syndrome; Neoplastic Syndromes, Hereditary; Hereditary Cancer Syndrome. Identifiers: Orphanet 140162, MedGen C0027672, MeSH D009386, MONDO:0015356.

Submission:

Ambry Genetics
Classification: Uncertain significance for Cardiovascular phenotype; Hereditary cancer-predisposing syndrome. Last evaluated: 2025-03-27. Review status: criteria provided, single submitter. Criteria: Ambry Variant Classification Scheme 2023. Collection method: clinical testing. Allele origin: germline.
Comment: The c.3544_3546delGTT variant (also known as p.V1182del) is located in coding exon 27 of the NF1 gene. This variant results from an in-frame GTT deletion at nucleotide positions 3544 to 3546. This results in the in-frame deletion of a valine at codon 1182. This amino acid position is highly conserved in available vertebrate species. In addition, this alteration is predicted to be deleterious by in silico analysis (Choi Y et al. PLoS ONE. 2012; 7(10):e46688). Based on the available evidence, the clinical significance of this variant remains unclear.